The following is an entry in ClinVar:

ClinVar aggregate classification (germline): Uncertain significance. Review status: criteria provided, multiple submitters, no conflicts (2 of 4 stars). 2 submissions from 2 submitters: Uncertain significance (2). Last evaluated 2023-07-31.

Conditions:
Long QT syndrome (LQTS). Identifiers: MedGen C0023976, MeSH D008133, MONDO:0002442. Disease mechanism: loss of function. Inheritance: Various modes of inheritance.

Submissions (3):

GeneDx
Classification: Uncertain significance. Last evaluated: 2023-07-31. Review status: criteria provided, single submitter. Criteria: GeneDx Variant Classification Process June 2021. Collection method: clinical testing. Allele origin: germline. Affected: yes.
Comment: Not observed at significant frequency in large population cohorts (gnomAD); In silico analysis supports that this missense variant has a deleterious effect on protein structure/function; Has not been previously published as pathogenic or benign to our knowledge

Labcorp Genetics (formerly Invitae), Labcorp
Classification: Uncertain significance for Long QT syndrome. Last evaluated: 2019-05-24. Review status: criteria provided, single submitter. Criteria: Invitae Variant Classification Sherloc (09022015). Collection method: clinical testing. Allele origin: germline.
Comment: This sequence change replaces phenylalanine with leucine at codon 53 of the KCNE1 protein (p.Phe53Leu). The phenylalanine residue is highly conserved and there is a small physicochemical difference between phenylalanine and leucine. This variant is not present in population databases (ExAC no frequency). This variant has not been reported in the literature in individuals with KCNE1-related conditions. Algorithms developed to predict the effect of missense changes on protein structure and function (SIFT, PolyPhen-2, Align-GVGD) all suggest that this variant is likely to be tolerated, but these predictions have not been confirmed by published functional studies and their clinical significance is uncertain. In summary, the available evidence is currently insufficient to determine the role of this variant in disease. Therefore, it has been classified as a Variant of Uncertain Significance.

Roden Lab, Vanderbilt University Medical Center
No classification provided (evidence only). Condition: Long QT syndrome 5. Review status: no classification provided. Collection method: in vitro. Allele origin: not applicable. Functional consequence: Effect on ion channel function. Not counted in ClinVar's aggregate classification.
ClinVar note: "not provided" was previously submitted as the classification for the variant. However, the classification appeared to be based only on an observation of functional data so it was converted to no classification on 2025-07-30.

NM_000219.6(KCNE1):c.159C>A (p.Phe53Leu)

Gene: KCNE1 (potassium voltage-gated channel subfamily E regulatory subunit 1; minus strand). Cytogenetic location: 21q22.12.
Variant type: single nucleotide variant.
Coding change: c.159C>A on transcript NM_000219.6 (MANE Select); coding-DNA position 159, C replaced by A.
Protein change: p.Phe53Leu; replaces phenylalanine 53 with leucine.
Molecular consequence: missense variant.
Genome position (GRCh38, 1-based): chr21:34,449,476, G>T on the plus strand (C>A on the coding strand, the complement: KCNE1 is on the minus strand). VCF-style: chr21-34449476-G-T. GRCh37 (hg19) VCF-style: chr21-35821774-G-T.
Other names: c.159C>A (NM_000219.3); c.159C>A, p.Phe53Leu (NM_001127668.4, NM_001127669.4, NM_001127670.4 and 4 more transcripts); short protein forms F53L.
Identifiers: ClinVar variation 837578 (VCV000837578.12), dbSNP rs1981011440, ClinGen allele CA410198369.
Genomic context (GRCh38, chr21:34,449,476, plus strand): 5'-GTGCTCCAGCTTCTTGGAGCGGATGTAGCTCAGCATGATGCCCAGGGTGAAGAAGCCGAA[G>T]AATCCCAGTACCATGAGGACGTAGAGGGCCTCCAGCTTGCCGTCACTGCTGCGGGGGGAC-3'
Protein context (NP_000210.2, residues 43-63): EALYVLMVLG[Phe53Leu]FGFFTLGIML